The following is an entry in ClinVar:

ClinVar aggregate classification (germline): Conflicting classifications of pathogenicity. Review status: criteria provided, conflicting classifications (1 of 4 stars). 6 submissions from 6 submitters: Uncertain significance (5); Likely benign (1). Last evaluated 2024-12-19.

Conditions:
Hearing loss, autosomal recessive 94. Also called: Deafness, autosomal recessive 94. Identifiers: MedGen C5193096, MONDO:0032749, OMIM 618434.
Combined oxidative phosphorylation defect type 24. Also called: Combined oxidative phosphorylation deficiency 24. Identifiers: Orphanet 444458, MedGen C4015643, MONDO:0014547, OMIM 616239.
Inborn genetic diseases. Identifiers: MedGen C0950123, MeSH D030342.

Allele frequency attached by ClinVar (database versions not stated): gnomAD 0.00001; TOPMed 0.00001; 1000 Genomes Project 30x 0.00016; 1000 Genomes Project 0.00020.
gnomAD v4.1: 5 of 1,605,898 alleles (0.00031%); highest among the groups gnomAD compares: Middle Eastern, 0.033%; no homozygotes.

Submissions (6):

Genomic Medicine Center of Excellence, King Faisal Specialist Hospital and Research Centre
Classification: Uncertain significance for Combined oxidative phosphorylation defect type 24. Last evaluated: 2024-12-19. Review status: criteria provided, single submitter. Criteria: ACMG Guidelines, 2015. Collection method: clinical testing. Allele origin: germline.

3billion
Classification: Likely benign for Combined oxidative phosphorylation defect type 24; Hearing loss, autosomal recessive 94. Last evaluated: 2024-09-20. Review status: criteria provided, single submitter. Criteria: ACMG Guidelines, 2015. Collection method: clinical testing. Allele origin: germline. Affected: no.
Comment: The homozygous variant was found in patients diagnosed with another variant in a different gene, with no symptoms related to the gene containing the homozygous variant.

Labcorp Genetics (formerly Invitae), Labcorp
Classification: Uncertain significance. Last evaluated: 2022-08-19. Review status: criteria provided, single submitter. Criteria: Invitae Variant Classification Sherloc (09022015). Collection method: clinical testing. Allele origin: germline.
Comment: This sequence change replaces phenylalanine, which is neutral and non-polar, with tyrosine, which is neutral and polar, at codon 169 of the NARS2 protein (p.Phe169Tyr). This variant is present in population databases (rs144653284, gnomAD 0.007%). This variant has not been reported in the literature in individuals affected with NARS2-related conditions. ClinVar contains an entry for this variant (Variation ID: 377031). Algorithms developed to predict the effect of missense changes on protein structure and function output the following: SIFT: "Tolerated"; PolyPhen-2: "Benign"; Align-GVGD: "Class C0". The tyrosine amino acid residue is found in multiple mammalian species, which suggests that this missense change does not adversely affect protein function. In summary, the available evidence is currently insufficient to determine the role of this variant in disease. Therefore, it has been classified as a Variant of Uncertain Significance.

Ambry Genetics
Classification: Uncertain significance for Inborn genetic diseases. Last evaluated: 2022-08-16. Review status: criteria provided, single submitter. Criteria: Ambry Variant Classification Scheme 2023. Collection method: clinical testing. Allele origin: germline.

GeneDx
Classification: Uncertain significance. Last evaluated: 2022-01-28. Review status: criteria provided, single submitter. Criteria: GeneDx Variant Classification Process June 2021. Collection method: clinical testing. Allele origin: germline. Affected: yes.
Comment: Not observed at a significant frequency in large population cohorts (gnomAD); In silico analysis supports that this missense variant does not alter protein structure/function; Has not been previously published as pathogenic or benign to our knowledge

Center for Pediatric Genomic Medicine, Children's Mercy Hospital and Clinics
Classification: Uncertain significance. Last evaluated: 2016-07-11. Review status: criteria provided, single submitter. Criteria: ACMG Guidelines, 2015. Collection method: clinical testing. Allele origin: germline.
ClinVar note: Converted during submission from Uncertain Significance to Uncertain significance.

NM_024678.6(NARS2):c.506T>A (p.Phe169Tyr)

Gene: NARS2 (asparaginyl-tRNA synthetase 2, mitochondrial; minus strand). Cytogenetic location: 11q14.1.
Variant type: single nucleotide variant.
Coding change: c.506T>A on transcript NM_024678.6 (MANE Select); coding-DNA position 506, T replaced by A.
Protein change: p.Phe169Tyr; replaces phenylalanine 169 with tyrosine.
Molecular consequence: missense variant. On other transcripts: 5 prime UTR variant (1).
Genome position (GRCh38, 1-based): chr11:78,566,139, A>T on the plus strand (T>A on the coding strand, the complement: NARS2 is on the minus strand). VCF-style: chr11-78566139-A-T. GRCh37 (hg19) VCF-style: chr11-78277185-A-T.
Other names: c.-176T>A (NM_001243251.2); short protein forms F169Y.
Identifiers: ClinVar variation 377031 (VCV000377031.11), dbSNP rs144653284, ClinGen allele CA16603239.